The following is an entry in ClinVar:

NM_004113.6(FGF12):c.484A>T (p.Arg162Trp)

Gene: FGF12 (fibroblast growth factor 12; minus strand). Cytogenetic location: 3q28.
Variant type: single nucleotide variant.
Coding change: c.484A>T on transcript NM_004113.6 (MANE Select); coding-DNA position 484, A replaced by T.
Protein change: p.Arg162Trp; replaces arginine 162 with tryptophan.
Molecular consequence: missense variant.
Genome position (GRCh38, 1-based): chr3:192,144,071, T>A on the plus strand (A>T on the coding strand, the complement: FGF12 is on the minus strand). VCF-style: chr3-192144071-T-A. GRCh37 (hg19) VCF-style: chr3-191861860-T-A.
Other names: c.373A>T, p.Arg125Trp (NM_001377292.1); c.412A>T, p.Arg138Trp (NM_001377293.1, NM_001377294.1); c.670A>T, p.Arg224Trp (NM_021032.5); short protein forms R125W, R138W, R162W, R224W.
Identifiers: ClinVar variation 2703909 (VCV002703909.3), dbSNP rs2473889796, ClinGen allele CA355865693.

ClinVar aggregate classification (germline): Uncertain significance (1 of 4 stars; one submission).

Submission:

Labcorp Genetics (formerly Invitae), Labcorp
Classification: Uncertain significance. Last evaluated: 2024-06-03. Review status: criteria provided, single submitter. Criteria: Invitae Variant Classification Sherloc (09022015). Collection method: clinical testing. Allele origin: germline.
Comment: This sequence change replaces arginine, which is basic and polar, with tryptophan, which is neutral and slightly polar, at codon 224 of the FGF12 protein (p.Arg224Trp). This variant is not present in population databases (gnomAD no frequency). This variant has not been reported in the literature in individuals affected with FGF12-related conditions. Advanced modeling of protein sequence and biophysical properties (such as structural, functional, and spatial information, amino acid conservation, physicochemical variation, residue mobility, and thermodynamic stability) performed at Invitae indicates that this missense variant is not expected to disrupt FGF12 protein function with a negative predictive value of 80%. In summary, the available evidence is currently insufficient to determine the role of this variant in disease. Therefore, it has been classified as a Variant of Uncertain Significance.